The following is an entry in ClinVar:

NM_006947.4(SRP72):c.2000G>T (p.Gly667Val)

Gene: SRP72 (signal recognition particle 72; plus strand). Cytogenetic location: 4q12.
Variant type: single nucleotide variant.
Coding change: c.2000G>T on transcript NM_006947.4 (MANE Select); coding-DNA position 2000, G replaced by T.
Protein change: p.Gly667Val; replaces glycine 667 with valine.
Molecular consequence: missense variant. On other transcripts: non-coding transcript variant (1).
Genome position (GRCh38, 1-based): chr4:56,501,845, G>T. VCF-style: chr4-56501845-G-T. GRCh37 (hg19) VCF-style: chr4-57368011-G-T.
Other names: c.1817G>T, p.Gly606Val (NM_001267722.2); short protein forms G606V, G667V.
Identifiers: ClinVar variation 4174914 (VCV004174914.1).

ClinVar aggregate classification (germline): Uncertain significance (1 of 4 stars; one submission).

gnomAD v4.1: 1 of 1,614,118 alleles (0.000062%); highest among the groups gnomAD compares: Non-Finnish European, 0.000085%; no homozygotes.

Submission:

Ambry Genetics
Classification: Uncertain significance. Last evaluated: 2025-07-01. Review status: criteria provided, single submitter. Criteria: Ambry Variant Classification Scheme 2023. Collection method: clinical testing. Allele origin: germline.
Comment: The p.G667V variant (also known as c.2000G>T), located in coding exon 19 of the SRP72 gene, results from a G to T substitution at nucleotide position 2000. The glycine at codon 667 is replaced by valine, an amino acid with dissimilar properties. This amino acid position is conserved. In addition, this alteration is predicted to be deleterious by in silico analysis. Based on the available evidence, the clinical significance of this variant remains unclear.